The following is an entry in ClinVar:

ClinVar aggregate classification (germline): Uncertain significance (1 of 4 stars; one submission).

Conditions:
Hereditary cancer-predisposing syndrome. Also called: Hereditary neoplastic syndrome; Neoplastic Syndromes, Hereditary; Tumor predisposition; Hereditary Cancer Syndrome. Identifiers: Orphanet 140162, MedGen C0027672, MeSH D009386, MONDO:0015356.

Allele frequency attached by ClinVar (database versions not stated): gnomAD exomes below 0.00001.

Submission:

Labcorp Genetics (formerly Invitae), Labcorp
Classification: Uncertain significance for Hereditary cancer-predisposing syndrome. Last evaluated: 2022-02-17. Review status: criteria provided, single submitter. Criteria: Invitae Variant Classification Sherloc (09022015). Collection method: clinical testing. Allele origin: germline.
Comment: In summary, the available evidence is currently insufficient to determine the role of this variant in disease. Therefore, it has been classified as a Variant of Uncertain Significance. Algorithms developed to predict the effect of sequence changes on RNA splicing suggest that this variant is not likely to affect RNA splicing. Algorithms developed to predict the effect of missense changes on protein structure and function are either unavailable or do not agree on the potential impact of this missense change (SIFT: "Tolerated"; PolyPhen-2: "Probably Damaging"; Align-GVGD: "Class C0"). This variant has not been reported in the literature in individuals affected with RAD50-related conditions. This variant is not present in population databases (gnomAD no frequency). This sequence change replaces lysine, which is basic and polar, with arginine, which is basic and polar, at codon 436 of the RAD50 protein (p.Lys436Arg).

NM_005732.4(RAD50):c.1307A>G (p.Lys436Arg)

Gene: RAD50 (RAD50 double strand break repair protein; plus strand). Cytogenetic location: 5q31.1.
Variant type: single nucleotide variant.
Coding change: c.1307A>G on transcript NM_005732.4 (MANE Select); coding-DNA position 1307, A replaced by G.
Protein change: p.Lys436Arg; replaces lysine 436 with arginine.
Molecular consequence: missense variant.
Genome position (GRCh38, 1-based): chr5:132,589,692, A>G. VCF-style: chr5-132589692-A-G. GRCh37 (hg19) VCF-style: chr5-131925384-A-G.
Other names: short protein forms K436R.
Identifiers: ClinVar variation 2098016 (VCV002098016.4), dbSNP rs2479636963, ClinGen allele CA360943765.